The following is an entry in ClinVar:

NM_001042492.3(NF1):c.2680_2686delinsA (p.Phe894_Asp896delinsAsn)

Gene: NF1 (neurofibromin 1; plus strand). Cytogenetic location: 17q11.2.
Variant type: Indel.
Coding change: c.2680_2686delinsA on transcript NM_001042492.3 (MANE Select); coding-DNA positions 2680 to 2686, TTTATGG replaced by A.
Protein change: p.Phe894_Asp896delinsAsn.
Molecular consequence: inframe indel.
Genome position (GRCh38, 1-based): chr17:31,229,295-31,229,301, TTTATGG replaced by A. VCF-style: chr17-31229295-TTTATGG-A. GRCh37 (hg19) VCF-style: chr17-29556313-TTTATGG-A.
Other names: c.2680_2686delinsA, p.Phe894_Asp896delinsAsn (NM_000267.4); c.2680_2686delTTTATGGinsA, p.Phe894_Asp896delinsAsn (NM_001042492.2).
Identifiers: ClinVar variation 4998817 (VCV004998817.1).
Genomic context (GRCh38, chr17:31,229,295, plus strand): 5'-AAGGGTTCTATGATTTCAGTGATGTCTTCAGAGGGAAACGCAGATACACCTGTCAGCAAA[TTTATGG>A]ATCGGCTGTTGTCCTTAATGGTGTGTAACCATGAGAAAGTGGGACTTCAAATACGGACCA-3'

ClinVar aggregate classification (germline): Likely pathogenic (1 of 4 stars; one submission).

Conditions:
NF1-related disorder. Also called: NF1-related condition. Identifiers: MedGen CN379171.

Submission:

PreventionGenetics, part of Exact Sciences
Classification: Likely pathogenic for NF1-related condition. Last evaluated: 2025-05-21. Review status: criteria provided, single submitter. Criteria: ACMG Guidelines, 2015. Collection method: clinical testing. Allele origin: germline.
Comment: The NF1 c.2680_2686delinsA variant is predicted to result in an in-frame deletion and insertion. To our knowledge, this variant has not been reported in the literature or in a large population database (gnomAD), indicating this variant is rare. Variants impacting amino acid residues encompassed by this variant (p.Phe894Tyr, p.Phe894Ser, p.Met895Val, p.Met895Arg) have been reported in individuals with neurofibromatosis (see for example: Güneş et al. 2021. PubMed ID: 33877690; Douben et al. 2023. PubMed ID: 40225167; Chai et al. 2019. PubMed ID: 31533651; Pasmant et al. 2015. PubMed ID: 25074460) indicating the importance of this region in relation to disease. This variant is interpreted as likely pathogenic.